The following is an entry in ClinVar:

ClinVar aggregate classification (germline): Uncertain significance (1 of 4 stars; one submission).

Submission:

Labcorp Genetics (formerly Invitae), Labcorp
Classification: Uncertain significance. Last evaluated: 2023-12-15. Review status: criteria provided, single submitter. Criteria: Invitae Variant Classification Sherloc (09022015). Collection method: clinical testing. Allele origin: germline.
Comment: This sequence change replaces serine, which is neutral and polar, with arginine, which is basic and polar, at codon 498 of the SIAE protein (p.Ser498Arg). This variant is not present in population databases (gnomAD no frequency). This variant has not been reported in the literature in individuals affected with SIAE-related conditions. ClinVar contains an entry for this variant (Variation ID: 1935849). An algorithm developed to predict the effect of missense changes on protein structure and function (PolyPhen-2) suggests that this variant is likely to be tolerated. In summary, the available evidence is currently insufficient to determine the role of this variant in disease. Therefore, it has been classified as a Variant of Uncertain Significance.

NM_170601.5(SIAE):c.1492A>C (p.Ser498Arg)

Gene: SIAE (sialic acid acetylesterase; minus strand). Cytogenetic location: 11q24.2.
Variant type: single nucleotide variant.
Coding change: c.1492A>C on transcript NM_170601.5 (MANE Select); coding-DNA position 1492, A replaced by C.
Protein change: p.Ser498Arg; replaces serine 498 with arginine.
Molecular consequence: missense variant.
Genome position (GRCh38, 1-based): chr11:124,637,031, T>G on the plus strand (A>C on the coding strand, the complement: SIAE is on the minus strand). VCF-style: chr11-124637031-T-G. GRCh37 (hg19) VCF-style: chr11-124506927-T-G.
Other names: c.1387A>C, p.Ser463Arg (NM_001199922.2); short protein forms S498R, S463R.
Identifiers: ClinVar variation 1935849 (VCV001935849.5), dbSNP rs2496874008, ClinGen allele CA383141298.